The following is an entry in ClinVar:

NM_001430.5(EPAS1):c.2436C>A (p.Ser812Arg)

Gene: EPAS1 (endothelial PAS domain protein 1; plus strand). Cytogenetic location: 2p21.
Variant type: single nucleotide variant.
Coding change: c.2436C>A on transcript NM_001430.5 (MANE Select); coding-DNA position 2436, C replaced by A.
Protein change: p.Ser812Arg; replaces serine 812 with arginine.
Molecular consequence: missense variant.
Genome position (GRCh38, 1-based): chr2:46,382,573, C>A. VCF-style: chr2-46382573-C-A. GRCh37 (hg19) VCF-style: chr2-46609712-C-A.
Other names: short protein forms S812R.
Identifiers: ClinVar variation 1791226 (VCV001791226.2), dbSNP rs1161682236, ClinGen allele CA346706394.

ClinVar aggregate classification (germline): Uncertain significance (1 of 4 stars; one submission).

Conditions:
Inborn genetic diseases. Identifiers: MedGen C0950123, MeSH D030342.

Submission:

Ambry Genetics
Classification: Uncertain significance for Inborn genetic diseases. Last evaluated: 2024-03-09. Review status: criteria provided, single submitter. Criteria: Ambry Variant Classification Scheme 2023. Collection method: clinical testing. Allele origin: germline.
Comment: The p.S812R variant (also known as c.2436C>A), located in coding exon 15 of the EPAS1 gene, results from a C to A substitution at nucleotide position 2436. The serine at codon 812 is replaced by arginine, an amino acid with dissimilar properties. This amino acid position is conserved. In addition, this alteration is predicted to be tolerated by in silico analysis. Since supporting evidence is limited at this time, the clinical significance of this alteration remains unclear.